The following is an entry in ClinVar:

ClinVar aggregate classification (germline): Likely benign. Review status: criteria provided, single submitter (1 of 4 stars). 2 submissions from 2 submitters: Likely benign (1). 1 of the submissions does not count toward it. Last evaluated 2025-09-02.

Conditions:
PDE6B-related disorder. Also called: PDE6B-related disorders; PDE6B-related disease; PDE6B-related condition.

Allele frequency attached by ClinVar (database versions not stated): gnomAD 0.00003 and 0.00004; TOPMed 0.00004; ExAC 0.00005; gnomAD exomes 0.00005 and 0.00008.
gnomAD v4.1: 114 of 1,583,854 alleles (0.0072%); highest among the groups gnomAD compares: Middle Eastern, 0.017%; no homozygotes.

Submissions (2):

Labcorp Genetics (formerly Invitae), Labcorp
Classification: Likely benign. Last evaluated: 2025-09-02. Review status: criteria provided, single submitter. Criteria: Invitae Variant Classification Sherloc (09022015). Collection method: clinical testing. Allele origin: germline.

PreventionGenetics, part of Exact Sciences
Classification: Likely benign for PDE6B-related condition. Last evaluated: 2019-09-17. Review status: no assertion criteria provided. Collection method: clinical testing. Allele origin: germline. Not counted in ClinVar's aggregate classification.
Comment: This variant is classified as likely benign based on ACMG/AMP sequence variant interpretation guidelines (Richards et al. 2015 PMID: 25741868, with internal and published modifications).

NM_000283.4(PDE6B):c.345G>A (p.Pro115=)

Gene: PDE6B (phosphodiesterase 6B; plus strand). Cytogenetic location: 4p16.3.
Variant type: single nucleotide variant.
Coding change: c.345G>A on transcript NM_000283.4 (MANE Select); coding-DNA position 345, G replaced by A.
Protein change: p.Pro115=; no amino-acid change (proline 115 retained).
Molecular consequence: synonymous variant.
Genome position (GRCh38, 1-based): chr4:625,971, G>A. VCF-style: chr4-625971-G-A. GRCh37 (hg19) VCF-style: chr4-619760-G-A.
Other names: c.345G>A, p.Pro115= (NM_001145291.2); c.345G>A (NM_000283.3).
Identifiers: ClinVar variation 1550047 (VCV001550047.10), dbSNP rs780426891, ClinGen allele CA2793915.